The following is an entry in ClinVar:

ClinVar aggregate classification (germline): Conflicting classifications of pathogenicity. Review status: criteria provided, conflicting classifications (1 of 4 stars). 6 submissions from 6 submitters: Uncertain significance (5); Likely benign (1). Last evaluated 2025-11-22.

Conditions:
Hereditary cancer-predisposing syndrome. Also called: Hereditary Cancer Syndrome; Hereditary neoplastic syndrome; Neoplastic Syndromes, Hereditary; Tumor predisposition. Identifiers: Orphanet 140162, MedGen C0027672, MeSH D009386, MONDO:0015356.
Intellectual disability, autosomal dominant 16 (CSS4). Also called: COFFIN-SIRIS SYNDROME 4. Identifiers: Orphanet 1465, MedGen C3553249, MONDO:0013821, OMIM 614609.
Rhabdoid tumor predisposition syndrome 2 (RTPS2). Identifiers: Orphanet 231108, Orphanet 69077, MedGen C2750074, MONDO:0013224, OMIM 613325.

Allele frequency attached by ClinVar (database versions not stated): gnomAD 0.00001; 1000 Genomes Project 30x 0.00016; 1000 Genomes Project 0.00020.
gnomAD v4.1: 21 of 1,613,078 alleles (0.0013%); highest among the groups gnomAD compares: Non-Finnish European, 0.0016%; no homozygotes.

Submissions (6):

Labcorp Genetics (formerly Invitae), Labcorp
Classification: Uncertain significance for Rhabdoid tumor predisposition syndrome 2. Last evaluated: 2025-11-22. Review status: criteria provided, single submitter. Criteria: Invitae Variant Classification Sherloc (09022015). Collection method: clinical testing. Allele origin: germline.
Comment: This sequence change replaces proline, which is neutral and non-polar, with serine, which is neutral and polar, at codon 288 of the SMARCA4 protein (p.Pro288Ser). This variant is present in population databases (rs199573401, gnomAD 0.007%). This variant has not been reported in the literature in individuals affected with SMARCA4-related conditions. ClinVar contains an entry for this variant (Variation ID: 408621). An algorithm developed to predict the effect of missense changes on protein structure and function (PolyPhen-2) suggests that this variant is likely to be disruptive. In summary, the available evidence is currently insufficient to determine the role of this variant in disease. Therefore, it has been classified as a Variant of Uncertain Significance.

Quest Diagnostics Nichols Institute San Juan Capistrano
Classification: Uncertain significance. Last evaluated: 2025-02-04. Review status: criteria provided, single submitter. Criteria: Quest Diagnostics criteria. Collection method: clinical testing. Allele origin: unknown.
Comment: The SMARCA4 c.862C>T (p.Pro288Ser) variant has not been reported in individuals with SMARCA4-related conditions in the published literature. The frequency of this variant in the general population (Genome Aggregation Database) is uninformative in the assessment of its pathogenicity. Analysis of this variant using bioinformatics tools for the prediction of the effect of amino acid changes on protein structure and function yielded conflicting predictions that this variant has an inconclusive effect or is damaging. Based on the available information, we are unable to determine the clinical significance of this variant.

Baylor Genetics
Classification: Uncertain significance for Rhabdoid tumor predisposition syndrome 2. Last evaluated: 2023-08-28. Review status: criteria provided, single submitter. Criteria: ACMG Guidelines, 2015. Collection method: clinical testing. Allele origin: unknown.

Ambry Genetics
Classification: Likely benign for Hereditary cancer-predisposing syndrome. Last evaluated: 2023-03-16. Review status: criteria provided, single submitter. Criteria: Ambry Variant Classification Scheme 2023. Collection method: clinical testing. Allele origin: germline.

GeneDx
Classification: Uncertain significance. Last evaluated: 2022-08-12. Review status: criteria provided, single submitter. Criteria: GeneDx Variant Classification Process June 2021. Collection method: clinical testing. Allele origin: germline. Affected: yes.
Comment: In silico analysis supports that this missense variant does not alter protein structure/function; Has not been previously published as pathogenic or benign to our knowledge

Genome-Nilou Lab
Classification: Uncertain significance for Intellectual disability, autosomal dominant 16. Last evaluated: 2021-07-15. Review status: criteria provided, single submitter. Criteria: ACMG Guidelines, 2015. Collection method: clinical testing. Allele origin: germline. Affected: no.

NM_003072.5(SMARCA4):c.862C>T (p.Pro288Ser)

Gene: SMARCA4 (SWI/SNF related BAF chromatin remodeling complex subunit ATPase 4; plus strand). Cytogenetic location: 19p13.2.
Variant type: single nucleotide variant.
Coding change: c.862C>T on transcript NM_003072.5 (MANE Select); coding-DNA position 862, C replaced by T.
Protein change: p.Pro288Ser; replaces proline 288 with serine.
Molecular consequence: missense variant. On other transcripts: non-coding transcript variant (1).
Genome position (GRCh38, 1-based): chr19:10,987,668, C>T. VCF-style: chr19-10987668-C-T. GRCh37 (hg19) VCF-style: chr19-11098344-C-T.
Other names: c.862C>T, p.Pro288Ser (NM_001128844.3, NM_001128845.2, NM_001128846.2 and 5 more transcripts); short protein forms P288S.
Identifiers: ClinVar variation 408621 (VCV000408621.20), dbSNP rs199573401, ClinGen allele CA9203613.